The following is an entry in ClinVar:

ClinVar aggregate classification (germline): Pathogenic (1 of 4 stars; one submission).

Submission:

Labcorp Genetics (formerly Invitae), Labcorp
Classification: Pathogenic. Last evaluated: 2024-01-24. Review status: criteria provided, single submitter. Criteria: Invitae Variant Classification Sherloc (09022015). Collection method: clinical testing. Allele origin: germline.
Comment: This sequence change inserts a large fragment of DNA, likely a transposable element, in exon 6 of the MIPEP gene (c.660_661ins?), causing a frameshift at codon 221 (p.Met221fs). The exact size and sequence of the insertion cannot be determined by the current assay. However, the insertion is expected to result in an absent or disrupted protein product. This variant is not present in population databases (gnomAD no frequency). This variant has not been reported in the literature in individuals affected with MIPEP-related conditions. ClinVar contains an entry for this variant (Variation ID: 2130999). Retrotransposon insertions including LINE1 (L1), Alu, and SVA (SINE-VNTR-Alu) have been reported to be disease-causing through disruption of either a coding region or splice site (PMID: 19763152, 20307669, 22406018) and loss-of-function variants in MIPEP are known to be pathogenic (PMID: 27799064, 34620555). For these reasons, this variant has been classified as Pathogenic.

Literature cited by the submitters: PubMed 19763152; PubMed 20307669; PubMed 22406018; PubMed 27799064; PubMed 34620555.

NM_005932.4(MIPEP):c.660_661insTTTTTTTTTTTTTTTTTTTTNNNNNNNNNNCTCGTGATCCGCCCGCCTCGGCCTCCCAAAGTGCTGGGCTTACAGGCGTGAGCCACCGCGCCCGGCCTTGAGTAGTACATTTCTT (p.Met221delinsPhePhePhePhePhePheXaaXaaXaaXaaLeuValIleArgProProArgProProLysValLeuGlyLeuGlnAlaTer)

Gene: MIPEP (mitochondrial intermediate peptidase; minus strand). Cytogenetic location: 13q12.12.
Variant type: Insertion.
Coding change: c.660_661insTTTTTTTTTTTTTTTTTTTTNNNNNNNNNNCTCGTGATCCGCCCGCCTCGGCCTCCCAAAGTGCTGGGCTTACAGGCGTGAGCCACCGCGCCCGGCCTTGAGTAGTACATTTCTT on transcript NM_005932.4 (MANE Select); coding-DNA positions 660 to 661, TTTTTTTTTTTTTTTTTTTTNNNNNNNNNNCTCGTGATCCGCCCGCCTCGGCCTCCCAAAGTGCTGGGCTTACAGGCGTGAGCCACCGCGCCCGGCCTTGAGTAGTACATTTCTT inserted.
Protein change: p.Met221delinsPhePhePhePhePhePheXaaXaaXaaXaaLeuValIleArgProProArgProProLysValLeuGlyLeuGlnAlaTer.
Molecular consequence: nonsense.
Genome position: GRCh38: chr13:23,870,156-23,870,157. GRCh37 (hg19): chr13:24,444,295-24,444,296.
Identifiers: ClinVar variation 2130999 (VCV002130999.4), dbSNP rs2500181159.